The following is an entry in ClinVar:

ClinVar aggregate classification (germline): Uncertain significance (1 of 4 stars; one submission).

Conditions:
Dihydropteridine reductase deficiency (HPABH4C). Also called: DHPR DEFICIENCY; BH4-Deficient Hyperphenylalaninemia C; Hyperphenylalaninemia due to dihydropteridine reductase deficiency; Hyperphenylalaninemia, BH-4-deficient, C; Phenylketonuria type 2; HYPERPHENYLALANINEMIA, TETRAHYDROBIOPTERIN-DEFICIENT, DUE TO DHPR DEFICIENCY. Identifiers: Orphanet 226, Orphanet 238583, MedGen C0268465, MONDO:0009862, OMIM 261630.

Allele frequency attached by ClinVar (database versions not stated): gnomAD exomes below 0.00001 and 0.00001; ExAC 0.00001; gnomAD 0.00001.
gnomAD v4.1: 9 of 1,614,076 alleles (0.00056%); highest among the groups gnomAD compares: Admixed American, 0.0083%; no homozygotes.

Submission:

Labcorp Genetics (formerly Invitae), Labcorp
Classification: Uncertain significance for Dihydropteridine reductase deficiency. Last evaluated: 2022-07-19. Review status: criteria provided, single submitter. Criteria: Invitae Variant Classification Sherloc (09022015). Collection method: clinical testing. Allele origin: germline.
Comment: This sequence change replaces glycine, which is neutral and non-polar, with arginine, which is basic and polar, at codon 166 of the QDPR protein (p.Gly166Arg). This variant is present in population databases (rs768729528, gnomAD 0.003%). This variant has not been reported in the literature in individuals affected with QDPR-related conditions. ClinVar contains an entry for this variant (Variation ID: 1440054). Algorithms developed to predict the effect of missense changes on protein structure and function (SIFT, PolyPhen-2, Align-GVGD) all suggest that this variant is likely to be disruptive. In summary, the available evidence is currently insufficient to determine the role of this variant in disease. Therefore, it has been classified as a Variant of Uncertain Significance.

NM_000320.3(QDPR):c.496G>A (p.Gly166Arg)

Gene: QDPR (quinoid dihydropteridine reductase; minus strand). Cytogenetic location: 4p15.32.
Variant type: single nucleotide variant.
Coding change: c.496G>A on transcript NM_000320.3 (MANE Select); coding-DNA position 496, G replaced by A.
Protein change: p.Gly166Arg; replaces glycine 166 with arginine.
Molecular consequence: missense variant.
Genome position (GRCh38, 1-based): chr4:17,492,281, C>T on the plus strand (G>A on the coding strand, the complement: QDPR is on the minus strand). VCF-style: chr4-17492281-C-T. GRCh37 (hg19) VCF-style: chr4-17493904-C-T.
Other names: c.403G>A, p.Gly135Arg (NM_001306140.2); short protein forms G166R, G135R.
Identifiers: ClinVar variation 1440054 (VCV001440054.3), dbSNP rs768729528, ClinGen allele CA2868090.
Genomic context (GRCh38, chr4:17,492,281, plus strand): 5'-CAAGCACTTACGGGAGCACAGCGATGGCGGCTGCCCCGGGCGGCATGCCGCTGTTCTTCC[C>T]AGCCAGGCTCTGGCAGAGCTGGTGAACAGCACCCTTGGCCATGCCGTACCCGATCATACC-3'
Protein context (NP_000311.2, residues 156-176): AVHQLCQSLA[Gly166Arg]KNSGMPPGAA